The following is an entry in ClinVar:

ClinVar aggregate classification (germline): Uncertain significance (1 of 4 stars; one submission).

Submission:

Labcorp Genetics (formerly Invitae), Labcorp
Classification: Uncertain significance. Last evaluated: 2025-11-12. Review status: criteria provided, single submitter. Criteria: Invitae Variant Classification Sherloc (09022015). Collection method: clinical testing. Allele origin: germline.
Comment: This sequence change replaces methionine, which is neutral and non-polar, with isoleucine, which is neutral and non-polar, at codon 86 of the PFN1 protein (p.Met86Ile). This variant is not present in population databases (gnomAD no frequency). This variant has not been reported in the literature in individuals affected with PFN1-related conditions. An algorithm developed to predict the effect of missense changes on protein structure and function (PolyPhen-2) suggests that this variant is likely to be tolerated. In summary, the available evidence is currently insufficient to determine the role of this variant in disease. Therefore, it has been classified as a Variant of Uncertain Significance.

NM_005022.4(PFN1):c.258G>C (p.Met86Ile)

Gene: PFN1 (profilin 1; minus strand). Cytogenetic location: 17p13.2.
Variant type: single nucleotide variant.
Coding change: c.258G>C on transcript NM_005022.4 (MANE Select); coding-DNA position 258, G replaced by C.
Protein change: p.Met86Ile; replaces methionine 86 with isoleucine.
Molecular consequence: missense variant.
Genome position (GRCh38, 1-based): chr17:4,946,695, C>G on the plus strand (G>C on the coding strand, the complement: PFN1 is on the minus strand). VCF-style: chr17-4946695-C-G. GRCh37 (hg19) VCF-style: chr17-4849990-C-G.
Other names: c.258G>C, p.Met86Ile (NM_001375991.1); short protein forms M86I.
Identifiers: ClinVar variation 4800496 (VCV004800496.1).